The following is an entry in ClinVar:

NM_005559.4(LAMA1):c.8901A>C (p.Lys2967Asn)

Gene: LAMA1 (laminin subunit alpha 1; minus strand). Cytogenetic location: 18p11.31.
Variant type: single nucleotide variant.
Coding change: c.8901A>C on transcript NM_005559.4 (MANE Select); coding-DNA position 8901, A replaced by C.
Protein change: p.Lys2967Asn; replaces lysine 2967 with asparagine.
Molecular consequence: missense variant.
Genome position (GRCh38, 1-based): chr18:6,943,346, T>G on the plus strand (A>C on the coding strand, the complement: LAMA1 is on the minus strand). VCF-style: chr18-6943346-T-G. GRCh37 (hg19) VCF-style: chr18-6943345-T-G.
Other names: short protein forms K2967N.
Identifiers: ClinVar variation 3289857 (VCV003289857.2).
Genomic context (GRCh38, chr18:6,943,346, plus strand): 5'-GTGTTTGCTTTTGTTAGCTTGAAGAGTGTGCCATTTTCCATCACAGAGCACAGTGGCGGT[T>G]TTGGGCTCATATGCAGCTGTTATCCTGCCAGCACCATTGTTGACATGGAACAAGACCTAA-3'
Protein context (NP_005550.2, residues 2957-2977): AGRITAAYEP[Lys2967Asn]TATVLCDGKW

ClinVar aggregate classification (germline): Uncertain significance (1 of 4 stars; one submission).

Conditions:
Inborn genetic diseases. Identifiers: MedGen C0950123, MeSH D030342.

Submission:

Ambry Genetics
Classification: Uncertain significance for Inborn genetic diseases. Last evaluated: 2026-06-17. Review status: criteria provided, single submitter. Criteria: Ambry Variant Classification Scheme 2023. Collection method: clinical testing. Allele origin: germline.
Comment: The c.8901A>C (p.K2967N) alteration is located in exon 62 (coding exon 62) of the LAMA1 gene. This alteration results from a A to C substitution at nucleotide position 8901, causing the lysine (K) at amino acid position 2967 to be replaced by an asparagine (N). Based on data from gnomAD, the C allele has an overall frequency of <0.001% (0/251486) total alleles studied. The highest observed frequency was <0.001% (/) of alleles. Based on insufficient or conflicting evidence, the clinical significance of this alteration remains unclear.